The following is an entry in ClinVar:

ClinVar aggregate classification (germline): Likely pathogenic (1 of 4 stars; one submission).

Submission:

Labcorp Genetics (formerly Invitae), Labcorp
Classification: Likely pathogenic. Last evaluated: 2019-10-10. Review status: criteria provided, single submitter. Criteria: Invitae Variant Classification Sherloc (09022015). Collection method: clinical testing. Allele origin: unknown.
Comment: In summary, the currently available evidence indicates that the variant is pathogenic, but additional data are needed to prove that conclusively. Therefore, this variant has been classified as Likely Pathogenic. Donor and acceptor splice site variants typically lead to a loss of protein function (PMID: 16199547), and loss-of-function variants in ACBD5 are known to be pathogenic (PMID: 23105016, 27799409). This variant has not been reported in the literature in individuals with ACBD5-related conditions. This sequence change affects a donor splice site in intron 7 of the ACBD5 gene. It is expected to disrupt RNA splicing and likely results in an absent or disrupted protein product.

Literature cited by the submitters: PubMed 16199547; PubMed 23105016; PubMed 27799409.

NC_000010.10:g.(?_27505835)_(27506908_?)del

Gene: ACBD5 (acyl-CoA binding domain containing 5; minus strand). Cytogenetic location: 10p12.1.
Variant type: Deletion.
Identifiers: ClinVar variation 3245040 (VCV003245040.1).